The following is an entry in ClinVar:

NM_198576.4(AGRN):c.1847G>A (p.Gly616Glu)

Gene: AGRN (agrin; plus strand). Cytogenetic location: 1p36.33.
Variant type: single nucleotide variant.
Coding change: c.1847G>A on transcript NM_198576.4 (MANE Select); coding-DNA position 1847, G replaced by A.
Protein change: p.Gly616Glu; replaces glycine 616 with glutamic acid.
Molecular consequence: missense variant.
Genome position (GRCh38, 1-based): chr1:1,043,871, G>A. VCF-style: chr1-1043871-G-A. GRCh37 (hg19) VCF-style: chr1-979251-G-A.
Other names: c.1847G>A, p.Gly616Glu (NM_001305275.2); c.1532G>A, p.Gly511Glu (NM_001364727.2); short protein forms G616E, G511E.
Identifiers: ClinVar variation 840859 (VCV000840859.7), dbSNP rs773393723, ClinGen allele CA508358.

ClinVar aggregate classification (germline): Uncertain significance (1 of 4 stars; one submission).

Conditions:
Congenital myasthenic syndrome 8. Also called: Myasthenic syndrome, congenital, 8, with pre- and postsynaptic defects; MYASTHENIC SYNDROME, CONGENITAL, DUE TO AGRIN DEFICIENCY. Identifiers: Orphanet 590, MedGen C3808739, MONDO:0014052, OMIM 615120.

Allele frequency attached by ClinVar (database versions not stated): gnomAD exomes below 0.00001 and 0.00002; ExAC 0.00002.

Submission:

Labcorp Genetics (formerly Invitae), Labcorp
Classification: Uncertain significance for Congenital myasthenic syndrome 8. Last evaluated: 2021-01-15. Review status: criteria provided, single submitter. Criteria: Invitae Variant Classification Sherloc (09022015). Collection method: clinical testing. Allele origin: germline.
Comment: In summary, the available evidence is currently insufficient to determine the role of this variant in disease. Therefore, it has been classified as a Variant of Uncertain Significance. Algorithms developed to predict the effect of missense changes on protein structure and function are either unavailable or do not agree on the potential impact of this missense change (SIFT: "Deleterious"; PolyPhen-2: "Probably Damaging"; Align-GVGD: "Class C0"). This variant has not been reported in the literature in individuals with AGRN-related conditions. This variant is present in population databases (rs773393723, ExAC 0.02%). This sequence change replaces glycine with glutamic acid at codon 616 of the AGRN protein (p.Gly616Glu). The glycine residue is moderately conserved and there is a moderate physicochemical difference between glycine and glutamic acid.